The following is an entry in ClinVar:

ClinVar aggregate classification (germline): Uncertain significance (1 of 4 stars; one submission).

Conditions:
Noonan syndrome 9 (NS9). Identifiers: Orphanet 648, MedGen C4225282, MONDO:0014691, OMIM 616559.

Submission:

Labcorp Genetics (formerly Invitae), Labcorp
Classification: Uncertain significance for Noonan syndrome 9. Last evaluated: 2020-01-25. Review status: criteria provided, single submitter. Criteria: Invitae Variant Classification Sherloc (09022015). Collection method: clinical testing. Allele origin: germline.
Comment: In summary, the available evidence is currently insufficient to determine the role of this variant in disease. Therefore, it has been classified as a Variant of Uncertain Significance. Algorithms developed to predict the effect of missense changes on protein structure and function (SIFT, PolyPhen-2, Align-GVGD) all suggest that this variant is likely to be tolerated, but these predictions have not been confirmed by published functional studies and their clinical significance is uncertain. This variant has not been reported in the literature in individuals with SOS2-related conditions. This variant is not present in population databases (ExAC no frequency). This sequence change replaces threonine with isoleucine at codon 476 of the SOS2 protein (p.Thr476Ile). The threonine residue is weakly conserved and there is a moderate physicochemical difference between threonine and isoleucine.

NM_006939.4(SOS2):c.1427C>T (p.Thr476Ile)

Gene: SOS2 (SOS Ras/Rho guanine nucleotide exchange factor 2; minus strand). Cytogenetic location: 14q21.3.
Variant type: single nucleotide variant.
Coding change: c.1427C>T on transcript NM_006939.4 (MANE Select); coding-DNA position 1427, C replaced by T.
Protein change: p.Thr476Ile; replaces threonine 476 with isoleucine.
Molecular consequence: missense variant.
Genome position (GRCh38, 1-based): chr14:50,159,856, G>A on the plus strand (C>T on the coding strand, the complement: SOS2 is on the minus strand). VCF-style: chr14-50159856-G-A. GRCh37 (hg19) VCF-style: chr14-50626574-G-A.
Other names: short protein forms T476I.
Identifiers: ClinVar variation 1056944 (VCV001056944.9), dbSNP rs2139629330, ClinGen allele CA389645805.